The following is an entry in ClinVar:

NM_031475.3(ESPN):c.1947G>A (p.Thr649=)

Gene: ESPN (espin; plus strand). Cytogenetic location: 1p36.31.
Variant type: single nucleotide variant.
Coding change: c.1947G>A on transcript NM_031475.3 (MANE Select); coding-DNA position 1947, G replaced by A.
Protein change: p.Thr649=; no amino-acid change (threonine 649 retained).
Molecular consequence: synonymous variant.
Genome position (GRCh38, 1-based): chr1:6,451,634, G>A. VCF-style: chr1-6451634-G-A. GRCh37 (hg19) VCF-style: chr1-6511694-G-A.
Other names: c.1857G>A, p.Thr619= (NM_001367473.1); c.1884G>A, p.Thr628= (NM_001367474.1).
Identifiers: ClinVar variation 227359 (VCV000227359.14), dbSNP rs377497281, ClinGen allele CA560325.

ClinVar aggregate classification (germline): Likely benign. Review status: criteria provided, multiple submitters, no conflicts (2 of 4 stars). 4 submissions from 4 submitters: Likely benign (4). Last evaluated 2024-09-03.

Allele frequency attached by ClinVar (database versions not stated): TOPMed 0.00002; gnomAD 0.00003 and 0.00004; ESP Exome Variant Server 0.00008.

Submissions (4):

Blueprint Genetics
Classification: Likely benign. Last evaluated: 2024-09-03. Review status: criteria provided, single submitter. Criteria: ACMG Guidelines, 2015. Collection method: clinical testing. Allele origin: germline.

Labcorp Genetics (formerly Invitae), Labcorp
Classification: Likely benign. Last evaluated: 2024-02-17. Review status: criteria provided, single submitter. Criteria: Invitae Variant Classification Sherloc (09022015). Collection method: clinical testing. Allele origin: germline.

GeneDx
Classification: Likely benign. Last evaluated: 2020-09-25. Review status: criteria provided, single submitter. Criteria: GeneDx Variant Classification Process June 2021. Collection method: clinical testing. Allele origin: germline. Affected: yes.

Laboratory for Molecular Medicine, Mass General Brigham Personalized Medicine
Classification: Likely benign. Last evaluated: 2015-02-26. Review status: criteria provided, single submitter. Criteria: LMM Criteria. Collection method: clinical testing. Allele origin: germline. Observed: 1 variant allele.
Comment: p.Thr649Thr in intron 9 of ESPN: This variant is not expected to have clinical s ignificance because it does not alter an amino acid residue, is not located with in the splice consensus sequence and has been identified in 19/61576 of European chromosomes, including 1 homozygote individual, by the Exome Aggregation Consor tium (ExAC; dbSNP rs377497281).